The following is an entry in ClinVar:

ClinVar aggregate classification (germline): Uncertain significance (1 of 4 stars; one submission).

Allele frequency attached by ClinVar (database versions not stated): gnomAD exomes below 0.00001; ExAC 0.00001; gnomAD 0.00001; TOPMed 0.00002.

Submission:

GeneDx
Classification: Uncertain significance. Last evaluated: 2022-05-02. Review status: criteria provided, single submitter. Criteria: GeneDx Variant Classification Process June 2021. Collection method: clinical testing. Allele origin: germline. Affected: yes.
Comment: Not observed at significant frequency in large population cohorts (gnomAD); In silico analysis supports that this missense variant does not alter protein structure/function; Has not been previously published as pathogenic or benign to our knowledge

NM_001170629.2(CHD8):c.5145G>A (p.Met1715Ile)

Gene: CHD8 (chromodomain helicase DNA binding protein 8; minus strand). Cytogenetic location: 14q11.2.
Variant type: single nucleotide variant.
Coding change: c.5145G>A on transcript NM_001170629.2 (MANE Select); coding-DNA position 5145, G replaced by A.
Protein change: p.Met1715Ile; replaces methionine 1715 with isoleucine.
Molecular consequence: missense variant.
Genome position (GRCh38, 1-based): chr14:21,395,335, C>T on the plus strand (G>A on the coding strand, the complement: CHD8 is on the minus strand). VCF-style: chr14-21395335-C-T. GRCh37 (hg19) VCF-style: chr14-21863494-C-T.
Other names: c.4308G>A, p.Met1436Ile (NM_020920.4); short protein forms M1436I, M1715I.
Identifiers: ClinVar variation 1722967 (VCV001722967.2), dbSNP rs756001893, ClinGen allele CA7091018.